The following is an entry in ClinVar:

NM_206933.4(USH2A):c.6628C>T (p.Pro2210Ser)

Gene: USH2A (usherin; minus strand). Cytogenetic location: 1q41.
Variant type: single nucleotide variant.
Coding change: c.6628C>T on transcript NM_206933.4 (MANE Select); coding-DNA position 6628, C replaced by T.
Protein change: p.Pro2210Ser; replaces proline 2210 with serine.
Molecular consequence: missense variant.
Genome position (GRCh38, 1-based): chr1:215,998,916, G>A on the plus strand (C>T on the coding strand, the complement: USH2A is on the minus strand). VCF-style: chr1-215998916-G-A. GRCh37 (hg19) VCF-style: chr1-216172258-G-A.
Other names: short protein forms P2210S.
Identifiers: ClinVar variation 1981028 (VCV001981028.2), dbSNP rs192115090, ClinGen allele CA1395089.

ClinVar aggregate classification (germline): Uncertain significance. Review status: criteria provided, multiple submitters, no conflicts (2 of 4 stars). 2 submissions from 2 submitters: Uncertain significance (2). Last evaluated 2022-07-26.

Allele frequency attached by ClinVar (database versions not stated): 1000 Genomes Project 30x 0.00031.
gnomAD v4.1: 17 of 1,613,144 alleles (0.0011%); highest among the groups gnomAD compares: South Asian, 0.019%; no homozygotes.

Submissions (2):

Labcorp Genetics (formerly Invitae), Labcorp
Classification: Uncertain significance. Last evaluated: 2022-07-26. Review status: criteria provided, single submitter. Criteria: Invitae Variant Classification Sherloc (09022015). Collection method: clinical testing. Allele origin: germline.
Comment: This sequence change replaces proline, which is neutral and non-polar, with serine, which is neutral and polar, at codon 2210 of the USH2A protein (p.Pro2210Ser). This variant is present in population databases (rs192115090, gnomAD 0.02%). This variant has not been reported in the literature in individuals affected with USH2A-related conditions. Algorithms developed to predict the effect of missense changes on protein structure and function (SIFT, PolyPhen-2, Align-GVGD) all suggest that this variant is likely to be disruptive. In summary, the available evidence is currently insufficient to determine the role of this variant in disease. Therefore, it has been classified as a Variant of Uncertain Significance.

Blueprint Genetics
Classification: Uncertain significance. Last evaluated: 2020-05-07. Review status: criteria provided, single submitter. Criteria: ACMG Guidelines, 2015. Collection method: clinical testing. Allele origin: germline.